The following is an entry in ClinVar:

ClinVar aggregate classification (germline): Uncertain significance (1 of 4 stars; one submission).

Conditions:
Hereditary cancer-predisposing syndrome. Also called: Neoplastic Syndromes, Hereditary; Tumor predisposition; Hereditary Cancer Syndrome; Hereditary neoplastic syndrome. Identifiers: Orphanet 140162, MedGen C0027672, MeSH D009386, MONDO:0015356.

Submission:

Ambry Genetics
Classification: Uncertain significance for Hereditary cancer-predisposing syndrome. Last evaluated: 2026-01-12. Review status: criteria provided, single submitter. Criteria: Ambry Variant Classification Scheme 2023. Collection method: clinical testing. Allele origin: germline.
Comment: The p.L270V variant (also known as c.808C>G), located in coding exon 5 of the MSH3 gene, results from a C to G substitution at nucleotide position 808. The leucine at codon 270 is replaced by valine, an amino acid with highly similar properties. This amino acid position is conserved. In addition, this alteration is predicted to be deleterious by in silico analysis. Based on the available evidence, the clinical significance of this variant remains unclear.

NM_002439.5(MSH3):c.808C>G (p.Leu270Val)

Gene: MSH3 (mutS homolog 3; plus strand). Cytogenetic location: 5q14.1.
Variant type: single nucleotide variant.
Coding change: c.808C>G on transcript NM_002439.5 (MANE Select); coding-DNA position 808, C replaced by G.
Protein change: p.Leu270Val; replaces leucine 270 with valine.
Molecular consequence: missense variant.
Genome position (GRCh38, 1-based): chr5:80,672,259, C>G. VCF-style: chr5-80672259-C-G. GRCh37 (hg19) VCF-style: chr5-79968078-C-G.
Other names: short protein forms L270V.
Identifiers: ClinVar variation 4842846 (VCV004842846.1).